The following is an entry in ClinVar:

ClinVar aggregate classification (germline): Likely benign. Review status: criteria provided, multiple submitters, no conflicts (2 of 4 stars). 12 submissions from 12 submitters: Likely benign (9). 3 of the submissions do not count toward it. Last evaluated 2026-05-01.

Conditions:
Neonatal diabetes mellitus with congenital hypothyroidism. Also called: NDH SYNDROME. Identifiers: Orphanet 79118, MedGen C1857775, MONDO:0012436, OMIM 610199.

Allele frequency attached by ClinVar (database versions not stated): 1000 Genomes Project 0.00200; 1000 Genomes Project 30x 0.00219; ExAC 0.00281; gnomAD exomes 0.00291; gnomAD 0.00303 and 0.00304; TOPMed 0.00326; ESP Exome Variant Server 0.00377.
gnomAD v4.1: 6,407 of 1,614,172 alleles (0.4%); highest among the groups gnomAD compares: Non-Finnish European, 0.47%; 14 homozygotes.

Submissions (12):

CeGaT Center for Human Genetics Tuebingen
Classification: Likely benign. Last evaluated: 2026-05-01. Review status: criteria provided, single submitter. Criteria: CeGaT Center For Human Genetics Tuebingen Variant Classification Criteria Version 2. Collection method: clinical testing. Allele origin: germline. Affected: yes. Observed: 9 variant alleles.
Comment: GLIS3: BS1

Labcorp Genetics (formerly Invitae), Labcorp
Classification: Likely benign. Last evaluated: 2026-01-26. Review status: criteria provided, single submitter. Criteria: Invitae Variant Classification Sherloc (09022015). Collection method: clinical testing. Allele origin: germline.

Blueprint Genetics
Classification: Likely benign. Last evaluated: 2024-11-13. Review status: criteria provided, single submitter. Criteria: ACMG Guidelines, 2015. Collection method: clinical testing. Allele origin: germline.

GeneDx
Classification: Likely benign. Last evaluated: 2021-02-19. Review status: criteria provided, single submitter. Criteria: GeneDx Variant Classification Process June 2021. Collection method: clinical testing. Allele origin: germline. Affected: yes.
Comment: This variant is associated with the following publications: (PMID: 28444304)

Illumina Laboratory Services, Illumina
Classification: Likely benign for Neonatal diabetes mellitus with congenital hypothyroidism. Last evaluated: 2018-01-13. Review status: criteria provided, single submitter. Criteria: ICSL Variant Classification Criteria 13 December 2019. Collection method: clinical testing. Allele origin: germline.
Comment: This variant was observed in the ICSL laboratory as part of a predisposition screen in an ostensibly healthy population. It had not been previously curated by ICSL or reported in the Human Gene Mutation Database (HGMD: prior to June 1st, 2018), and was therefore a candidate for classification through an automated scoring system. Utilizing variant allele frequency, disease prevalence and penetrance estimates, and inheritance mode, an automated score was calculated to assess if this variant is too frequent to cause the disease. Based on the score and internal cut-off values, a variant classified as likely benign is not then subjected to further curation. The score for this variant resulted in a classification of likely benign for this disease.

Institute for Genomic Medicine (IGM) Clinical Laboratory, Nationwide Children's Hospital
Classification: Likely benign. Last evaluated: 2017-08-28. Review status: criteria provided, single submitter. Criteria: ACMG Guidelines, 2015. Collection method: clinical testing. Allele origin: germline.
Comment: BS1, BP6; This alteration has an allele frequency that is greater than expected for the associated disease, and was reported as a benign/likely benign alteration by a reputable source (ClinVar or other correspondence from a clinical testing laboratory).

Eurofins Ntd Llc (ga)
Classification: Likely benign. Last evaluated: 2015-05-04. Review status: criteria provided, single submitter. Criteria: EGL Classification Definitions 2015. Collection method: clinical testing. Allele origin: germline. Observed: 1 variant allele, 1 heterozygote.

Breakthrough Genomics
Classification: Likely benign. Review status: criteria provided, single submitter. Criteria: ACMG Guidelines, 2015. Collection method: not provided. Allele origin: germline. Inheritance: Autosomal recessive inheritance. Affected: yes.

PreventionGenetics, part of Exact Sciences
Classification: Likely benign. Review status: criteria provided, single submitter. Criteria: ACMG Guidelines, 2015. Collection method: clinical testing. Allele origin: germline.

Clinical Genetics, Academic Medical Center
Classification: Likely benign. Review status: no assertion criteria provided. Collection method: clinical testing. Allele origin: germline. Affected: yes. Study: VKGL Data-share Consensus. Not counted in ClinVar's aggregate classification.

Genome Diagnostics Laboratory, University Medical Center Utrecht
Classification: Likely benign. Review status: no assertion criteria provided. Collection method: clinical testing. Allele origin: germline. Affected: yes. Study: VKGL Data-share Consensus. Not counted in ClinVar's aggregate classification.

Laboratory of Diagnostic Genome Analysis, Leiden University Medical Center (LUMC)
Classification: Likely benign. Review status: no assertion criteria provided. Collection method: clinical testing. Allele origin: germline. Affected: yes. Study: VKGL Data-share Consensus. Not counted in ClinVar's aggregate classification.

NM_001042413.2(GLIS3):c.1545G>C (p.Glu515Asp)

Gene: GLIS3 (GLIS family zinc finger 3; minus strand). Cytogenetic location: 9p24.2.
Variant type: single nucleotide variant.
Coding change: c.1545G>C on transcript NM_001042413.2 (MANE Select); coding-DNA position 1545, G replaced by C.
Protein change: p.Glu515Asp; replaces glutamic acid 515 with aspartic acid.
Molecular consequence: missense variant.
Genome position (GRCh38, 1-based): chr9:4,117,933, C>G on the plus strand (G>C on the coding strand, the complement: GLIS3 is on the minus strand). VCF-style: chr9-4117933-C-G. GRCh37 (hg19) VCF-style: chr9-4117933-C-G.
Other names: c.1080G>C, p.Glu360Asp (NM_152629.4); short protein forms E515D, E360D.
Identifiers: ClinVar variation 196581 (VCV000196581.63), dbSNP rs72687988, ClinGen allele CA202452.
Genomic context (GRCh38, chr9:4,117,933, plus strand): 5'-AGTGAAGTCCTCCCCTTTGCGCTGGTCGATGTGGACCTTCTCGATGTGCCGCACGAGCTC[C>G]TCCTGCTGGTCGTACAGGGCGCTGCAGTCGATCCAGCGGCAGCAATGCTTGCCCCCGATG-3'
Protein context (NP_001035878.1, residues 505-525): IDCSALYDQQ[Glu515Asp]ELVRHIEKVH